The following is an entry in ClinVar:

NM_000321.3(RB1):c.1703C>T (p.Pro568Leu)

Gene: RB1 (RB transcriptional corepressor 1; plus strand). Cytogenetic location: 13q14.2.
Variant type: single nucleotide variant.
Coding change: c.1703C>T on transcript NM_000321.3 (MANE Select); coding-DNA position 1703, C replaced by T.
Protein change: p.Pro568Leu; replaces proline 568 with leucine.
Molecular consequence: missense variant.
Genome position (GRCh38, 1-based): chr13:48,453,000, C>T. VCF-style: chr13-48453000-C-T. GRCh37 (hg19) VCF-style: chr13-49027136-C-T.
Other names: c.1703C>T, p.Pro568Leu (NM_001407165.1); short protein forms P568L.
Identifiers: ClinVar variation 2590200 (VCV002590200.2), dbSNP rs2542360582, ClinGen allele CA388165435.
Genomic context (GRCh38, chr13:48,453,000, plus strand): 5'-CTGGGAAAATTATGCTTACTAATGTGGTTTTAATTTCATCATGTTTCATATAGGATTCAC[C>T]TTTATTTGATCTTATTAAACAATCAAAGGACCGAGAAGGACCAACTGATCACCTTGAATC-3'
Protein context (NP_000312.2, residues 558-578): MESLAWLSDS[Pro568Leu]LFDLIKQSKD

ClinVar aggregate classification (germline): Uncertain significance (1 of 4 stars; one submission).

Conditions:
Hereditary cancer-predisposing syndrome. Also called: Tumor predisposition; Hereditary Cancer Syndrome; Hereditary neoplastic syndrome; Neoplastic Syndromes, Hereditary. Identifiers: Orphanet 140162, MedGen C0027672, MeSH D009386, MONDO:0015356.

Submission:

Ambry Genetics
Classification: Uncertain significance for Hereditary cancer-predisposing syndrome. Last evaluated: 2023-09-13. Review status: criteria provided, single submitter. Criteria: Ambry Variant Classification Scheme 2023. Collection method: clinical testing. Allele origin: germline.
Comment: The p.P568L variant (also known as c.1703C>T), located in coding exon 18 of the RB1 gene, results from a C to T substitution at nucleotide position 1703. The proline at codon 568 is replaced by leucine, an amino acid with similar properties. This amino acid position is highly conserved in available vertebrate species. In addition, this alteration is predicted to be deleterious by in silico analysis. Since supporting evidence is limited at this time, the clinical significance of this alteration remains unclear.